The following is an entry in ClinVar:

NM_000038.6(APC):c.1877_1878del (p.Thr626fs)

Gene: APC (APC regulator of Wnt signaling pathway; plus strand). Cytogenetic location: 5q22.2.
Variant type: Deletion.
Coding change: c.1877_1878del on transcript NM_000038.6 (MANE Select); coding-DNA positions 1877 to 1878, 2 bases deleted (CA; older notation c.1877_1878delCA).
Protein change: p.Thr626fs; shifts the reading frame from threonine 626.
Molecular consequence: frameshift variant. On other transcripts: non-coding transcript variant (2).
Genome position (GRCh38, 1-based): chr5:112,835,084-112,835,085, CA deleted; deleting any 2 consecutive bases within chr5:112,835,083-112,835,085 gives the same sequence; the c. name uses the placement nearest the transcript's 3' end. VCF-style (leftmost placement, unchanged base first): chr5-112835082-GAC-G. GRCh37 (hg19) VCF-style: chr5-112170779-GAC-G.
Other names: c.1574_1575del, p.Thr525fs (NM_001407459.1, NM_001407460.1, NM_001354903.2 and 1 more transcripts); c.1490_1491del, p.Thr497fs (NM_001407467.1, NM_001407469.1); c.1028_1029del, p.Thr343fs (NM_001407470.1, NM_001354906.2); c.725_726del, p.Thr242fs (NM_001407471.1, NM_001407472.1); c.1877_1878del, p.Thr626fs (NM_001127510.3, NM_001354895.2, NM_001407450.1); c.1823_1824del, p.Thr608fs (NM_001127511.3); c.1931_1932del, p.Thr644fs (NM_001354896.2, NM_001407447.1, NM_001407448.1 and 1 more transcripts); c.1907_1908del, p.Thr636fs (NM_001354897.2); and 11 more; short protein forms T242fs, T343fs, T466fs, T497fs, T500fs, T525fs, T535fs, T543fs.
Identifiers: ClinVar variation 2583556 (VCV002583556.2), dbSNP rs2533339734, ClinGen allele CA2582341350.
Genomic context (GRCh38, chr5:112,835,082, plus strand): 5'-TATATGTGCTGTAGATGGTGCACTTGCATTTTTGGTTGGCACTCTTACTTACCGGAGCCA[GAC>G]AAACACTTTAGCCATTATTGAAAGTGGAGGTGGGATATTACGGAATGTGTCCAGCTTGAT-3'

ClinVar aggregate classification (germline): Pathogenic (1 of 4 stars; one submission).

Conditions:
Familial adenomatous polyposis 1 (FAP1). Also called: POLYPOSIS, ADENOMATOUS INTESTINAL; FAMILIAL ADENOMATOUS POLYPOSIS 1, ATTENUATED. Identifiers: MedGen C2713442, MONDO:0021056, OMIM 175100. Disease mechanism: loss of function.

Submission:

Myriad Genetics, Inc.
Classification: Pathogenic for Familial adenomatous polyposis 1. Last evaluated: 2023-05-03. Review status: criteria provided, single submitter. Criteria: Myriad Autosomal Dominant, Autosomal Recessive and X-Linked Classification Criteria (2023). Collection method: clinical testing. Allele origin: unknown.
Comment: This variant is considered pathogenic. This variant creates a frameshift predicted to result in premature protein truncation.